The following is an entry in ClinVar:

NM_002485.5(NBN):c.1853_1869dup (p.Arg624fs)

Genes: NBN (nibrin; minus strand), LOC126860438 (MED14-independent group 3 enhancer GRCh37_chr8:90959982-90961181; plus strand). Cytogenetic location: 8q21.3.
Variant type: Duplication.
Coding change: c.1853_1869dup on transcript NM_002485.5 (MANE Select); coding-DNA positions 1853 to 1869, 17 bases duplicated (ATGAAATTGGGAAGAAA).
Protein change: p.Arg624fs; shifts the reading frame from arginine 624.
Molecular consequence: frameshift variant.
Genome position (GRCh38, 1-based): chr8:89,947,869-89,947,885, TTTCTTCCCAATTTCAT duplicated on the plus strand (ATGAAATTGGGAAGAAA on the coding strand, the reverse complement: NBN is on the minus strand); duplicating any 17 consecutive bases within chr8:89,947,869-89,947,891 gives the same sequence; the c. name uses the placement nearest the transcript's 3' end. VCF-style (leftmost placement, unchanged base first): chr8-89947868-G-GTTTCTTCCCAATTTCAT. GRCh37 (hg19) VCF-style: chr8-90960096-G-GTTTCTTCCCAATTTCAT.
Other names: c.1607_1623dup, p.Arg542fs (NM_001024688.3, NM_001440379.1, NM_001440380.1); short protein forms R542fs, R624fs.
Identifiers: ClinVar variation 5012598 (VCV005012598.1).

ClinVar aggregate classification (germline): Pathogenic (1 of 4 stars; one submission).

Conditions:
Microcephaly, normal intelligence and immunodeficiency (NBS). Also called: IMMUNODEFICIENCY, MICROCEPHALY, AND CHROMOSOMAL INSTABILITY; SEEMANOVA SYNDROME II; Nijmegen breakage syndrome; Microcephaly with normal intelligence immunodeficiency and lymphoreticular malignancies; Nonsyndromal microcephaly autosomal recessive with normal intelligence; Seemanova syndrome 2. Identifiers: Orphanet 647, MedGen C0398791, MONDO:0009623, OMIM 251260.

Submission:

Myriad Genetics, Inc.
Classification: Pathogenic for Microcephaly, normal intelligence and immunodeficiency. Last evaluated: 2023-12-22. Review status: criteria provided, single submitter. Criteria: Myriad Autosomal Dominant, Autosomal Recessive and X-Linked Classification Criteria (2023). Collection method: clinical testing. Allele origin: unknown.
Comment: NM_002485.4(NBN):c.1853_1869dup17(R624Mfs*39) is expected to be pathogenic in the context of Nijmegen breakage syndrome. This variant is predicted to lead to an abnormal or absent protein product due to the creation of a premature termination codon in NBN, a gene where loss-of-function variants are known to be pathogenic. Please note: this variant was assessed in the context of healthy population screening.